The following is an entry in ClinVar:

ClinVar aggregate classification (germline): Uncertain significance (1 of 4 stars; one submission).

Conditions:
CEP290-related disorder. Also called: CEP290-related disorders; CEP290-related condition. Identifiers: MedGen CN239314.

Allele frequency attached by ClinVar (database versions not stated): gnomAD exomes below 0.00001.
gnomAD v4.1: 1 of 1,610,142 alleles (0.000062%); highest among the groups gnomAD compares: Non-Finnish European, 0.000085%; no homozygotes.

Submission:

PreventionGenetics, part of Exact Sciences
Classification: Uncertain significance for CEP290-related condition. Last evaluated: 2023-07-28. Review status: criteria provided, single submitter. Criteria: ACMG Guidelines, 2015. Collection method: clinical testing. Allele origin: germline.
Comment: The CEP290 c.76G>A variant is predicted to result in the amino acid substitution p.Asp26Asn. To our knowledge, this variant has not been reported in the literature or in a large population database, indicating this variant is rare. At this time, the clinical significance of this variant is uncertain due to the absence of conclusive functional and genetic evidence.

NM_025114.4(CEP290):c.76G>A (p.Asp26Asn)

Gene: CEP290 (centrosomal protein 290; minus strand). Cytogenetic location: 12q21.32.
Variant type: single nucleotide variant.
Coding change: c.76G>A on transcript NM_025114.4 (MANE Select); coding-DNA position 76, G replaced by A.
Protein change: p.Asp26Asn; replaces aspartic acid 26 with asparagine.
Molecular consequence: missense variant.
Genome position (GRCh38, 1-based): chr12:88,141,232, C>T on the plus strand (G>A on the coding strand, the complement: CEP290 is on the minus strand). VCF-style: chr12-88141232-C-T. GRCh37 (hg19) VCF-style: chr12-88535009-C-T.
Other names: short protein forms D26N.
Identifiers: ClinVar variation 2632845 (VCV002632845.1), dbSNP rs2501863127, ClinGen allele CA385990210.
Genomic context (GRCh38, chr12:88,141,232, plus strand): 5'-TGTATATATCTATTATTATTGACCAATTAAGCACCTTGGATAAGGAAATCAATAAATTAT[C>T]TGCCAGTTCTTCTTGACGGGGCAGGTCATCTGGGTCAACTTTCATTATTTCTTTCCAGTT-3'
Protein context (NP_079390.3, residues 16-36): DDLPRQEELA[Asp26Asn]NLLISLSKVE